The following is an entry in ClinVar:

NM_001399.5(EDA):c.1135T>C (p.Phe379Leu)

Gene: EDA (ectodysplasin A; plus strand). Cytogenetic location: Xq13.1.
Variant type: single nucleotide variant.
Coding change: c.1135T>C on transcript NM_001399.5 (MANE Select); coding-DNA position 1135, T replaced by C.
Protein change: p.Phe379Leu; replaces phenylalanine 379 with leucine.
Molecular consequence: missense variant.
Genome position (GRCh38, 1-based): chrX:70,035,568, T>C. VCF-style: chrX-70035568-T-C. GRCh37 (hg19) VCF-style: chrX-69255418-T-C.
Other names: c.1129T>C, p.Phe377Leu (NM_001005609.2); c.1120T>C, p.Phe374Leu (NM_001005612.3); c.1126T>C, p.Phe376Leu (NM_001440761.1); c.1093T>C, p.Phe365Leu (NM_001440762.1); short protein forms F379L, F377L, F365L, F374L, F376L.
Identifiers: ClinVar variation 4742460 (VCV004742460.1).

ClinVar aggregate classification (germline): Likely pathogenic (1 of 4 stars; one submission).

Conditions:
Hypohidrotic X-linked ectodermal dysplasia (XHED). Also called: Ectodermal Dysplasia 1, Anhidrotic; ECTODERMAL DYSPLASIA, HYPOHIDROTIC, 1; CST SYNDROME; ECTODERMAL DYSPLASIA 1; Anhidrotic ectodermal dysplasia X-linked; Christ Siemens Touraine syndrome. Identifiers: Orphanet 181, Orphanet 238468, MedGen C0162359, MONDO:0010585, OMIM 305100.

Submission:

Labcorp Genetics (formerly Invitae), Labcorp
Classification: Likely pathogenic for Hypohidrotic X-linked ectodermal dysplasia. Last evaluated: 2025-12-17. Review status: criteria provided, single submitter. Criteria: Invitae Variant Classification Sherloc (09022015). Collection method: clinical testing. Allele origin: germline.
Comment: This sequence change replaces phenylalanine, which is neutral and non-polar, with leucine, which is neutral and non-polar, at codon 379 of the EDA protein (p.Phe379Leu). This variant is not present in population databases (gnomAD no frequency). This missense change has been observed in individual(s) with clinical features of EDA-related conditions (internal data). In at least one individual the variant was observed to be de novo. Invitae Evidence Modeling of protein sequence and biophysical properties (such as structural, functional, and spatial information, amino acid conservation, physicochemical variation, residue mobility, and thermodynamic stability) has been performed for this missense variant. However, the output from this modeling did not meet the statistical confidence thresholds required to predict the impact of this variant on EDA protein function. This variant disrupts the p.Phe379 amino acid residue in EDA. Other variant(s) that disrupt this residue have been observed in individuals with EDA-related conditions (PMID: 34582123), which suggests that this may be a clinically significant amino acid residue. In summary, the currently available evidence indicates that the variant is pathogenic, but additional data are needed to prove that conclusively. Therefore, this variant has been classified as Likely Pathogenic.

Literature cited by the submitters: PubMed 34582123.